The following is an entry in ClinVar:

ClinVar aggregate classification (germline): Benign/Likely benign. Review status: criteria provided, multiple submitters, no conflicts (2 of 4 stars). 3 submissions from 3 submitters: Benign (1); Likely benign (2). Last evaluated 2024-06-06.

Conditions:
Familial cancer of breast. Also called: Hereditary breast cancer; BREAST CANCER, FAMILIAL; hereditary breast carcinoma. Identifiers: Orphanet 227535, MedGen C0346153, MONDO:0016419, OMIM 114480. Disease mechanism: loss of function.
Hereditary cancer-predisposing syndrome. Also called: Tumor predisposition; Hereditary neoplastic syndrome; Neoplastic Syndromes, Hereditary; Hereditary Cancer Syndrome. Identifiers: Orphanet 140162, MedGen C0027672, MeSH D009386, MONDO:0015356.
Ataxia-telangiectasia syndrome (AT). Also called: Ataxia-telangiectasia, complementation group D; AT, COMPLEMENTATION GROUP C; ATAXIA-TELANGIECTASIA, COMPLEMENTATION GROUP A; ATAXIA-TELANGIECTASIA, FRESNO VARIANT; Ataxia-telangiectasia; LOUIS-BAR SYNDROME. Identifiers: Orphanet 100, MedGen C0004135, MONDO:0008840, OMIM 208900.

Submissions (3):

Myriad Genetics, Inc.
Classification: Benign for Familial cancer of breast. Last evaluated: 2024-06-06. Review status: criteria provided, single submitter. Criteria: Myriad Autosomal Dominant, Autosomal Recessive and X-Linked Classification Criteria (2023). Collection method: clinical testing. Allele origin: unknown.
Comment: This variant is considered benign. This variant is a silent/synonymous amino acid change and it is not expected to impact splicing.

Labcorp Genetics (formerly Invitae), Labcorp
Classification: Likely benign for Ataxia-telangiectasia syndrome. Last evaluated: 2023-12-25. Review status: criteria provided, single submitter. Criteria: Invitae Variant Classification Sherloc (09022015). Collection method: clinical testing. Allele origin: germline.

Ambry Genetics
Classification: Likely benign for Hereditary cancer-predisposing syndrome. Last evaluated: 2021-03-04. Review status: criteria provided, single submitter. Criteria: Ambry Variant Classification Scheme 2023. Collection method: clinical testing. Allele origin: germline.

NM_000051.4(ATM):c.6426A>G (p.Thr2142=)

Genes: ATM (ATM serine/threonine kinase; plus strand), C11orf65 (chromosome 11 open reading frame 65; minus strand). Cytogenetic location: 11q22.3.
Variant type: single nucleotide variant.
Coding change: c.6426A>G on transcript NM_000051.4 (MANE Select); coding-DNA position 6426, A replaced by G.
Protein change: p.Thr2142=; no amino-acid change (threonine 2142 retained).
Molecular consequence: synonymous variant. On other transcripts: intron variant (2).
Genome position (GRCh38, 1-based): chr11:108,320,032, A>G. VCF-style: chr11-108320032-A-G. GRCh37 (hg19) VCF-style: chr11-108190759-A-G.
Other names: c.6426A>G, p.Thr2142= (NM_001351834.2); c.641-10961T>C (NM_001330368.2); c.*39-10961T>C (NM_001351110.2).
Identifiers: ClinVar variation 743807 (VCV000743807.10), dbSNP rs1591100486, ClinGen allele CA476676100.